The following is an entry in ClinVar:

ClinVar aggregate classification (germline): Uncertain significance. Review status: criteria provided, multiple submitters, no conflicts (2 of 4 stars). 3 submissions from 3 submitters: Uncertain significance (3). Last evaluated 2025-08-13.

Conditions:
Neurofibromatosis, type 1 (NF1). Also called: VON RECKLINGHAUSEN DISEASE; NEUROFIBROMATOSIS, TYPE I, SOMATIC; Peripheral type neurofibromatosis; Neurofibromatosis, type I. Identifiers: Orphanet 636, MedGen C0027831, MONDO:0018975, OMIM 162200. Disease mechanism: loss of function.

Submissions (3):

Labcorp Genetics (formerly Invitae), Labcorp
Classification: Uncertain significance for Neurofibromatosis, type 1. Last evaluated: 2025-08-13. Review status: criteria provided, single submitter. Criteria: Invitae Variant Classification Sherloc (09022015). Collection method: clinical testing. Allele origin: germline.
Comment: This sequence change replaces glycine, which is neutral and non-polar, with aspartic acid, which is acidic and polar, at codon 1595 of the NF1 protein (p.Gly1595Asp). This variant is not present in population databases (gnomAD no frequency). This variant has not been reported in the literature in individuals affected with NF1-related conditions. ClinVar contains an entry for this variant (Variation ID: 660894). Invitae Evidence Modeling of protein sequence and biophysical properties (such as structural, functional, and spatial information, amino acid conservation, physicochemical variation, residue mobility, and thermodynamic stability) has been performed for this missense variant. However, the output from this modeling did not meet the statistical confidence thresholds required to predict the impact of this variant on NF1 protein function. In summary, the available evidence is currently insufficient to determine the role of this variant in disease. Therefore, it has been classified as a Variant of Uncertain Significance.

GeneDx
Classification: Uncertain significance. Last evaluated: 2025-07-28. Review status: criteria provided, single submitter. Criteria: GeneDx Variant Classification Process June 2021. Collection method: clinical testing. Allele origin: germline. Affected: yes.
Comment: Not observed at significant frequency in large population cohorts (gnomAD); In silico analysis supports that this missense variant has a deleterious effect on protein structure/function; Has not been previously published as pathogenic or benign to our knowledge

Genome-Nilou Lab
Classification: Uncertain significance for Neurofibromatosis, type 1. Last evaluated: 2022-03-15. Review status: criteria provided, single submitter. Criteria: ACMG Guidelines, 2015. Collection method: clinical testing. Allele origin: germline. Affected: no.

NM_001042492.3(NF1):c.4847G>A (p.Gly1616Asp)

Gene: NF1 (neurofibromin 1; plus strand). Cytogenetic location: 17q11.2.
Variant type: single nucleotide variant.
Coding change: c.4847G>A on transcript NM_001042492.3 (MANE Select); coding-DNA position 4847, G replaced by A.
Protein change: p.Gly1616Asp; replaces glycine 1616 with aspartic acid.
Molecular consequence: missense variant.
Genome position (GRCh38, 1-based): chr17:31,325,831, G>A. VCF-style: chr17-31325831-G-A. GRCh37 (hg19) VCF-style: chr17-29652849-G-A.
Other names: c.4784G>A, p.Gly1595Asp (NM_000267.4); short protein forms G1616D, G1595D.
Identifiers: ClinVar variation 660894 (VCV000660894.9), dbSNP rs1597829516, ClinGen allele CA399006900.